The following is an entry in ClinVar:

ClinVar aggregate classification (germline): Pathogenic. Review status: reviewed by expert panel (3 of 4 stars). 35 submissions from 35 submitters: Pathogenic (1). 34 of the submissions do not count toward it. Last evaluated 2016-09-08.

Conditions:
Fanconi anemia, complementation group S (FANCS). Identifiers: MedGen C4554406, MONDO:0054748, OMIM 617883.
Pancreatic cancer, susceptibility to, 4. Identifiers: Orphanet 1333, MedGen C3280442, MONDO:0013685, OMIM 614320.
Breast-ovarian cancer, familial, susceptibility to, 1 (BROVCA1). Also called: BRCA1 Hereditary Breast and Ovarian Cancer; OVARIAN CANCER, SUSCEPTIBILITY TO. Identifiers: Orphanet 145, MedGen C2676676, MONDO:0011450, OMIM 604370. Disease mechanism: loss of function.
Familial cancer of breast. Also called: BREAST CANCER, FAMILIAL; hereditary breast carcinoma; Hereditary breast cancer. Identifiers: Orphanet 227535, MedGen C0346153, MONDO:0016419, OMIM 114480. Disease mechanism: loss of function.
Breast and/or ovarian cancer. Identifiers: MedGen CN221562.
Hereditary cancer-predisposing syndrome. Also called: Hereditary Cancer Syndrome; Tumor predisposition; Neoplastic Syndromes, Hereditary; Hereditary neoplastic syndrome. Identifiers: Orphanet 140162, MedGen C0027672, MeSH D009386, MONDO:0015356.
Breast neoplasm. Also called: Breast Neoplasms; Neoplasm of the breast; Neoplasm of breast; Breast tumor. Identifiers: MedGen C1458155, MeSH D001943, MONDO:0021100, HP:0100013. Disease mechanism: gain of function.
Hereditary breast ovarian cancer syndrome. Also called: Breast and ovarian cancer; BRCA1- and BRCA2-Associated Hereditary Breast and Ovarian Cancer; Hereditary breast and ovarian cancer; Hereditary breast and ovarian cancer syndrome (HBOC); Hereditary breast and ovarian cancer syndrome; Hereditary breast and/or ovarian cancer syndrome. Identifiers: Orphanet 145, MedGen C0677776, MeSH D061325, MONDO:0003582. Disease mechanism: loss of function.
Ovarian neoplasm. Also called: Ovarian tumor; Ovarian Neoplasms; Neoplasm of ovary. Identifiers: MedGen C0919267, MeSH D010051, MONDO:0021068, HP:0100615.
Malignant tumor of breast. Also called: Malignant breast neoplasm; Cancer breast. Identifiers: MedGen C0006142, MONDO:0007254. Disease mechanism: loss of function.
Breast carcinoma. Also called: Carcinoma of breast. Identifiers: MedGen C0678222, MONDO:0004989, HP:0003002.

Allele frequency attached by ClinVar (database versions not stated): TOPMed below 0.00001; gnomAD 0.00001.
gnomAD v4.1: 4 of 1,614,094 alleles (0.00025%); highest among the groups gnomAD compares: Middle Eastern, 0.016%; no homozygotes.

Submissions 1 to 8 of 36:

Evidence-based Network for the Interpretation of Germline Mutant Alleles (ENIGMA)
Classification: Pathogenic for Breast-ovarian cancer, familial, susceptibility to, 1. Last evaluated: 2016-09-08. Review status: reviewed by expert panel. Criteria: ENIGMA BRCA1/2 Classification Criteria (2015). Collection method: curation. Allele origin: germline.
Comment: Variant allele predicted to encode a truncated non-functional protein.

GeneDx
Classification: Pathogenic. Last evaluated: 2026-01-26. Review status: criteria provided, single submitter. Criteria: GeneDx Variant Classification Process June 2021. Collection method: clinical testing. Allele origin: germline. Affected: yes. Not counted in ClinVar's aggregate classification.
Comment: Observed in individuals with a personal or family history consistent with pathogenic variants in this gene (PMID: 8968102, 20104584, 12204006, 22713736, 27741520); Nonsense variant predicted to result in protein truncation or nonsense mediated decay in a gene for which loss of function is a known mechanism of disease; Truncating variants in this gene are considered pathogenic by a well-established clinical consortium and/or database; Not observed at significant frequency in large population cohorts (gnomAD); Also known as 5563G>A; This variant is associated with the following publications: (PMID: 29961768, 30209399, 25400221, 26681312, 29446198, 32438681, 36537080, 29053726, 35988656, 36367610, 29797126, 15365993, 16267036, 24131973, 28492532, 23469205, 24884479, 20104584, 19996028, 22798144, 32658311, 32039725, 33558524, 27741520, 8968102, 12204006, 22713736, 29998185, 35418818, 35264596, 38630906, 38201513, 38940262, 37563628, 38219492)

Labcorp Genetics (formerly Invitae), Labcorp
Classification: Pathogenic for Hereditary breast ovarian cancer syndrome. Last evaluated: 2025-06-07. Review status: criteria provided, single submitter. Criteria: Invitae Variant Classification Sherloc (09022015). Collection method: clinical testing. Allele origin: germline. Not counted in ClinVar's aggregate classification.
Comment: This sequence change creates a premature translational stop signal (p.Trp1815*) in the BRCA1 gene. While this is not anticipated to result in nonsense mediated decay, it is expected to disrupt the last 49 amino acid(s) of the BRCA1 protein. This variant is not present in population databases (gnomAD no frequency). This premature translational stop signal has been observed in individual(s) with hereditary breast and/or ovarian cancer (PMID: 8968102, 20104584, 26187060). It has also been observed to segregate with disease in related individuals. This variant is also known as 5563G>A. ClinVar contains an entry for this variant (Variation ID: 55580). RNA analysis performed to evaluate the impact of this premature translational stop signal on mRNA splicing indicates it does not significantly alter splicing (internal data). This variant disrupts a region of the BRCA1 protein in which other variant(s) (p.Tyr1853*) have been determined to be pathogenic (PMID: 7894493, 10811118, 11739404, 12400015, 21922593). This suggests that this is a clinically significant region of the protein, and that variants that disrupt it are likely to be disease-causing. For these reasons, this variant has been classified as Pathogenic.

Quest Diagnostics Nichols Institute San Juan Capistrano
Classification: Pathogenic. Last evaluated: 2025-04-25. Review status: criteria provided, single submitter. Criteria: Quest Diagnostics criteria. Collection method: clinical testing. Allele origin: unknown. Not counted in ClinVar's aggregate classification.
Comment: The BRCA1 c.5444G>A (p.Trp1815*) variant causes the premature termination of BRCA1 protein synthesis. This variant has been reported in the published literature in individuals with known or suspected hereditary breast and/or ovarian cancer in the published literature (PMIDs: 33558524 (2021), 32658311 (2021), 31368036 (2019), 29998185 (2018), 29797126 (2018), 26681312 (2015), 20104584 (2010), 8968102 (1996)). This variant has not been reported in large, multi-ethnic general populations (Genome Aggregation Database). Based on the available information, this variant is classified as pathogenic.

Center for Genomic Medicine, Rigshospitalet, Copenhagen University Hospital
Classification: Pathogenic. Last evaluated: 2025-03-04. Review status: criteria provided, single submitter. Criteria: ACMG Guidelines, 2015. Collection method: clinical testing. Allele origin: germline. Not counted in ClinVar's aggregate classification.

CeGaT Center for Human Genetics Tuebingen
Classification: Pathogenic. Last evaluated: 2025-03-01. Review status: criteria provided, single submitter. Criteria: CeGaT Center For Human Genetics Tuebingen Variant Classification Criteria Version 2. Collection method: clinical testing. Allele origin: germline. Affected: yes. Observed: 4 variant alleles. Not counted in ClinVar's aggregate classification.
Comment: BRCA1: PVS1, PM2, PS4:Moderate

KCCC/NGS Laboratory, Kuwait Cancer Control Center
Classification: Pathogenic for Breast-ovarian cancer, familial, susceptibility to, 1. Last evaluated: 2025-01-06. Review status: criteria provided, single submitter. Criteria: ACMG Guidelines, 2015. Collection method: clinical testing. Allele origin: germline. Inheritance: Autosomal dominant inheritance. Affected: yes. Observed: 1 heterozygote. Not counted in ClinVar's aggregate classification.
Comment: This sequence change creates a premature translational stop signal (p.Trp1815*) in the BRCA1 gene. While this is not anticipated to result in nonsense mediated decay, it is expected to disrupt the last 49 amino acid(s) of the BRCA1 protein.This variant is not present in population databases (gnomAD no frequency). ClinVar contains an entry for this variant (Variation ID: 55580). This variant is also known as 5563G>A. This premature translational stop signal has been observed in individual(s) with hereditary breast and/or ovarian cancer (PMID: 8968102, 20104584, 26187060). It has also been observed to segregate with disease in related individuals. This variant disrupts a region of the BRCA1 protein in which other variant(s) (p.Tyr1853*) have been determined to be pathogenic (PMID: 29961768, 30209399, 25400221, 26681312, 29446198, 29797126, 15365993, 16267036, 24131973, 28492532, 23469205, 24884479, 20104584, 19996028, 22798144, 32658311, 32039725, 33558524, 27741520, 8968102, 12204006, 22713736, 29998185). This suggests that this is a clinically significant region of the protein, and that variants that disrupt it are likely to be disease-causing. For these reasons, this variant has been classified as Pathogenic.

Dasa
Classification: Pathogenic. Last evaluated: 2024-12-16. Review status: criteria provided, single submitter. Criteria: DASA Assertion Criteria. Collection method: clinical testing. Allele origin: germline. Not counted in ClinVar's aggregate classification.
Comment: NM_007294.4(BRCA1):c.5444G>A (p.Trp1815Ter) introduces a premature termination codon predicted to result in loss of normal protein function. Loss-of-function is an established mechanism of disease for this gene. The affected residue or protein region has prior evidence supporting clinical relevance. Functional evidence supports a deleterious effect on the gene or gene product (PMID: 30209399; PMID: 26187060; PMID: 20104584; PMID: 33558524; PMID: 30186769). This variant has been recurrently observed in individuals with related phenotype (PMID: 30209399; PMID: 26187060; PMID: 20104584; PMID: 33558524; PMID: 30186769). The variant is present at low frequency in population datasets. Based on the available data, this variant is classified as pathogenic.

NM_007294.4(BRCA1):c.5444G>A (p.Trp1815Ter)

Gene: BRCA1 (BRCA1 DNA repair associated; minus strand). Cytogenetic location: 17q21.31.
Variant type: single nucleotide variant.
Coding change: c.5444G>A on transcript NM_007294.4 (MANE Select); coding-DNA position 5444, G replaced by A.
Protein change: p.Trp1815Ter; replaces tryptophan 1815 with a stop codon.
Molecular consequence: nonsense. On other transcripts: synonymous variant (17).
Genome position (GRCh38, 1-based): chr17:43,047,666, C>T on the plus strand (G>A on the coding strand, the complement: BRCA1 is on the minus strand). VCF-style: chr17-43047666-C-T. GRCh37 (hg19) VCF-style: chr17-41199683-C-T.
Other names: p.W1815*:TGG>TAG; 5563G>A; c.5234G>A, p.Trp1745Ter (NM_001407889.1, NM_001407879.1, NM_001407881.1 and 5 more transcripts); c.5231G>A, p.Trp1744Ter (NM_001407894.1, NM_001407895.1, NM_001407896.1 and 12 more transcripts); c.5228G>A, p.Trp1743Ter (NM_001407915.1, NM_001407916.1, NM_001407917.1 and 1 more transcripts); c.5192G>A, p.Trp1731Ter (NM_001407919.1); c.5180G>A, p.Trp1727Ter (NM_001407920.1, NM_001407921.1, NM_001407922.1 and 4 more transcripts); c.5177G>A, p.Trp1726Ter (NM_001407927.1, NM_001407928.1, NM_001407929.1 and 4 more transcripts); and 86 more; short protein forms W1815*, W711*, W1836*, W1768*, W1518*, W1661*, W1744*, W1745*.
Identifiers: ClinVar variation 55580 (VCV000055580.105), dbSNP rs80356962, ClinGen allele CA003599.